The following is an entry in ClinVar:

ClinVar aggregate classification (germline): Likely pathogenic (1 of 4 stars; one submission).

Allele frequency attached by ClinVar (database versions not stated): gnomAD exomes 0.00001.
gnomAD v4.1: 16 of 1,612,730 alleles (0.00099%); highest among the groups gnomAD compares: Non-Finnish European, 0.0014%; no homozygotes.

Submission:

Labcorp Genetics (formerly Invitae), Labcorp
Classification: Likely pathogenic. Last evaluated: 2022-10-27. Review status: criteria provided, single submitter. Criteria: Invitae Variant Classification Sherloc (09022015). Collection method: clinical testing. Allele origin: germline.
Comment: This sequence change affects a donor splice site in intron 6 of the LAMA3 gene. It is expected to disrupt RNA splicing. Variants that disrupt the donor or acceptor splice site typically lead to a loss of protein function (PMID: 16199547), and loss-of-function variants in LAMA3 are known to be pathogenic (PMID: 10366601, 11810295, 12915477, 16473856, 17362460, 22434185, 23869449, 27827380, 28087116). This variant is not present in population databases (gnomAD no frequency). This variant has not been reported in the literature in individuals affected with LAMA3-related conditions. ClinVar contains an entry for this variant (Variation ID: 1468571). Algorithms developed to predict the effect of sequence changes on RNA splicing suggest that this variant may disrupt the consensus splice site. In summary, the currently available evidence indicates that the variant is pathogenic, but additional data are needed to prove that conclusively. Therefore, this variant has been classified as Likely Pathogenic.

Literature cited by the submitters: PubMed 16199547; PubMed 10366601; PubMed 11810295; PubMed 12915477; PubMed 16473856; PubMed 17362460; PubMed 22434185; PubMed 23869449; PubMed 27827380; PubMed 28087116.

NM_198129.4(LAMA3):c.5461+2T>G

Gene: LAMA3 (laminin subunit alpha 3; plus strand). Cytogenetic location: 18q11.2.
Variant type: single nucleotide variant.
Coding change: c.5461+2T>G on transcript NM_198129.4 (MANE Select); the canonical splice donor site of the intron after coding-DNA position 5461, T replaced by G.
Molecular consequence: splice donor variant.
Genome position (GRCh38, 1-based): chr18:23,894,350, T>G. VCF-style: chr18-23894350-T-G. GRCh37 (hg19) VCF-style: chr18-21474314-T-G.
Other names: c.5461+2T>G (NM_001127717.4); c.634+2T>G (NM_000227.6, NM_001127718.4).
Identifiers: ClinVar variation 1468571 (VCV001468571.6), dbSNP rs2145055524, ClinGen allele CA402045970.